The following is an entry in ClinVar:

NM_007347.5(AP4E1):c.1042C>T (p.Pro348Ser)

Gene: AP4E1 (adaptor related protein complex 4 subunit epsilon 1; plus strand). Cytogenetic location: 15q21.2.
Variant type: single nucleotide variant.
Coding change: c.1042C>T on transcript NM_007347.5 (MANE Select); coding-DNA position 1042, C replaced by T.
Protein change: p.Pro348Ser; replaces proline 348 with serine.
Molecular consequence: missense variant.
Genome position (GRCh38, 1-based): chr15:50,941,540, C>T. VCF-style: chr15-50941540-C-T. GRCh37 (hg19) VCF-style: chr15-51233737-C-T.
Other names: c.817C>T, p.Pro273Ser (NM_001252127.2); c.1042C>T (NM_007347.3); short protein forms P273S, P348S.
Identifiers: ClinVar variation 642679 (VCV000642679.7), dbSNP rs779139742, ClinGen allele CA7558950.

ClinVar aggregate classification (germline): Uncertain significance. Review status: criteria provided, multiple submitters, no conflicts (2 of 4 stars). 2 submissions from 2 submitters: Uncertain significance (2). Last evaluated 2022-11-07.

Conditions:
Inborn genetic diseases. Identifiers: MedGen C0950123, MeSH D030342.
Spastic paraplegia. Identifiers: MedGen C0037772, HP:0001258.

Allele frequency attached by ClinVar (database versions not stated): gnomAD exomes below 0.00001; TOPMed below 0.00001; ExAC 0.00001.
gnomAD v4.1: 2 of 1,612,914 alleles (0.00012%); highest among the groups gnomAD compares: Middle Eastern, 0.017%; no homozygotes.

Submissions (2):

Ambry Genetics
Classification: Uncertain significance for Inborn genetic diseases. Last evaluated: 2022-11-07. Review status: criteria provided, single submitter. Criteria: Ambry Variant Classification Scheme 2023. Collection method: clinical testing. Allele origin: germline.

Labcorp Genetics (formerly Invitae), Labcorp
Classification: Uncertain significance for Spastic paraplegia. Last evaluated: 2018-09-20. Review status: criteria provided, single submitter. Criteria: Invitae Variant Classification Sherloc (09022015). Collection method: clinical testing. Allele origin: germline.
Comment: In summary, the available evidence is currently insufficient to determine the role of this variant in disease. Therefore, it has been classified as a Variant of Uncertain Significance. Algorithms developed to predict the effect of missense changes on protein structure and function are either unavailable or do not agree on the potential impact of this missense change (SIFT: "Deleterious"; PolyPhen-2: "Probably Damaging"; Align-GVGD: "Class C0"). This variant has not been reported in the literature in individuals with AP4E1-related disease. This variant is present in population databases (rs779139742, ExAC 0.002%). This sequence change replaces proline with serine at codon 348 of the AP4E1 protein (p.Pro348Ser). The proline residue is highly conserved and there is a moderate physicochemical difference between proline and serine.